The following is an entry in ClinVar:

NC_000023.10:g.(?_31137344)_(31341776_31366672)dup

Gene: DMD (dystrophin; minus strand). Cytogenetic location: Xp21.2.
Variant type: Duplication.
Identifiers: ClinVar variation 2501148 (VCV002501148.1).

ClinVar aggregate classification (germline): Uncertain significance (1 of 4 stars; one submission).

Submission:

Women's Health and Genetics/Laboratory Corporation of America, LabCorp
Classification: Uncertain significance. Last evaluated: 2023-03-13. Review status: criteria provided, single submitter. Criteria: LabCorp Variant Classification Summary - May 2015. Collection method: clinical testing. Allele origin: germline.
Comment: Variant summary: The variant identified by MLPA or other technology involves the duplication of exons 62-79 in the DMD gene, and includes the last exon. A presumed nomenclature of c.(9163+1_9164-1)_(*2692_?)dup has been designated for the purposes of this classification. It has been assumed that this is a tandem duplication in direct orientation (Richardson_GIM_2018, Newman_AJHG_2015). The variant was absent in 16120 control chromosomes (gnomAD, Structural Variants dataset). The available data on variant occurrences in the general population are insufficient to allow any conclusion about variant significance. To our knowledge, no experimental evidence demonstrating an impact on protein function has been reported. Two ClinVar submitters (evaluation after 2014) cite the variant as uncertain significance (n=1) and as benign (n=1). Based on the evidence outlined above, the variant was classified as uncertain significance.

Literature cited by the submitters: PubMed 34018669.